The following is an entry in ClinVar:

NM_014727.3(KMT2B):c.1369CCT[2] (p.Pro459del)

Gene: KMT2B (lysine methyltransferase 2B; plus strand). Cytogenetic location: 19q13.12.
Variant type: Microsatellite.
Coding change: c.1369CCT[2] on transcript NM_014727.3 (MANE Select); two copies in a row of the 3-base unit CCT starting at c.1369; the reference has three copies in a row; one copy, 3 bases deleted.
Protein change: p.Pro459del; deletes proline 459.
Molecular consequence: inframe deletion.
Genome position (GRCh38, 1-based): chr19:35,720,722-35,720,724, CCT deleted; deleting any 3 consecutive bases within chr19:35,720,716-35,720,724 gives the same sequence; the position shown is the placement nearest the transcript's 3' end. VCF-style (leftmost placement, unchanged base first): chr19-35720715-CCCT-C. GRCh37 (hg19) VCF-style: chr19-36211617-CCCT-C.
Other names: short protein forms P459del.
Identifiers: ClinVar variation 2212512 (VCV002212512.5), dbSNP rs1327946226, ClinGen allele CA507305949.
Genomic context (GRCh38, chr19:35,720,715, plus strand): 5'-GTCCCCACCACCTCTACCATCCCCTCCACCGCCTCCTGCCCAAGAGGAGCAGGAGGAATC[CCCT>C]CCTCCTGTGGTCCCAGCTACGTGCTCCAGGAAGAGGGGCCGGCCTCCCCTGACTCCCAGC-3'

ClinVar aggregate classification (germline): Uncertain significance. Review status: criteria provided, multiple submitters, no conflicts (2 of 4 stars). 2 submissions from 2 submitters: Uncertain significance (2). Last evaluated 2023-06-11.

Conditions:
Inborn genetic diseases. Identifiers: MedGen C0950123, MeSH D030342.

Submissions (2):

Labcorp Genetics (formerly Invitae), Labcorp
Classification: Uncertain significance. Last evaluated: 2023-06-11. Review status: criteria provided, single submitter. Criteria: Invitae Variant Classification Sherloc (09022015). Collection method: clinical testing. Allele origin: germline.
Comment: In summary, the available evidence is currently insufficient to determine the role of this variant in disease. Therefore, it has been classified as a Variant of Uncertain Significance. Experimental studies and prediction algorithms are not available or were not evaluated, and the functional significance of this variant is currently unknown. This variant has not been reported in the literature in individuals affected with KMT2B-related conditions. This variant is not present in population databases (gnomAD no frequency). This variant, c.1375_1377del, results in the deletion of 1 amino acid(s) of the KMT2B protein (p.Pro459del), but otherwise preserves the integrity of the reading frame.

Ambry Genetics
Classification: Uncertain significance for Inborn genetic diseases. Last evaluated: 2021-06-23. Review status: criteria provided, single submitter. Criteria: Ambry Variant Classification Scheme 2023. Collection method: clinical testing. Allele origin: germline.
Comment: The c.1375_1377delCCT (p.P459del) alteration is located in exon 3 (coding exon 3) of the KMT2B gene. This alteration consists of an in-frame deletion of 3 nucleotides between nucleotide positions c.1375 and c.1377, resulting in the deletion of 1 residue. Based on insufficient or conflicting evidence, the clinical significance of this alteration remains unclear.